The following is an entry in ClinVar:

ClinVar aggregate classification (germline): Uncertain significance (1 of 4 stars; one submission).

Conditions:
ALG12-congenital disorder of glycosylation (CDG1G). Also called: Congenital disorder of glycosylation, type Ig; ALG12-CDG; CDG Ig. Identifiers: Orphanet 79324, MedGen C2931001, MONDO:0011783, OMIM 607143.

Allele frequency attached by ClinVar (database versions not stated): gnomAD exomes 0.00001; TOPMed 0.00004; gnomAD 0.00006; ESP Exome Variant Server 0.00008.
gnomAD v4.1: 26 of 1,612,390 alleles (0.0016%); highest among the groups gnomAD compares: African/African-American, 0.012%; no homozygotes.

Submission:

Labcorp Genetics (formerly Invitae), Labcorp
Classification: Uncertain significance for ALG12-congenital disorder of glycosylation. Last evaluated: 2024-02-03. Review status: criteria provided, single submitter. Criteria: Invitae Variant Classification Sherloc (09022015). Collection method: clinical testing. Allele origin: germline.
Comment: This sequence change replaces valine, which is neutral and non-polar, with isoleucine, which is neutral and non-polar, at codon 20 of the ALG12 protein (p.Val20Ile). This variant is present in population databases (rs140468943, gnomAD 0.01%). This variant has not been reported in the literature in individuals affected with ALG12-related conditions. ClinVar contains an entry for this variant (Variation ID: 1521533). Advanced modeling of protein sequence and biophysical properties (such as structural, functional, and spatial information, amino acid conservation, physicochemical variation, residue mobility, and thermodynamic stability) performed at Invitae indicates that this missense variant is not expected to disrupt ALG12 protein function with a negative predictive value of 80%. In summary, the available evidence is currently insufficient to determine the role of this variant in disease. Therefore, it has been classified as a Variant of Uncertain Significance.

NM_024105.4(ALG12):c.58G>A (p.Val20Ile)

Gene: ALG12 (ALG12 alpha-1,6-mannosyltransferase; minus strand). Cytogenetic location: 22q13.33.
Variant type: single nucleotide variant.
Coding change: c.58G>A on transcript NM_024105.4 (MANE Select); coding-DNA position 58, G replaced by A.
Protein change: p.Val20Ile; replaces valine 20 with isoleucine.
Molecular consequence: missense variant.
Genome position (GRCh38, 1-based): chr22:49,913,708, C>T on the plus strand (G>A on the coding strand, the complement: ALG12 is on the minus strand). VCF-style: chr22-49913708-C-T. GRCh37 (hg19) VCF-style: chr22-50307356-C-T.
Other names: short protein forms V20I.
Identifiers: ClinVar variation 1521533 (VCV001521533.6), dbSNP rs140468943, ClinGen allele CA10300742.